The following is an entry in ClinVar:

NM_006231.4(POLE):c.3097A>G (p.Ile1033Val)

Gene: POLE (DNA polymerase epsilon, catalytic subunit; minus strand). Cytogenetic location: 12q24.33.
Variant type: single nucleotide variant.
Coding change: c.3097A>G on transcript NM_006231.4 (MANE Select); coding-DNA position 3097, A replaced by G.
Protein change: p.Ile1033Val; replaces isoleucine 1033 with valine.
Molecular consequence: missense variant.
Genome position (GRCh38, 1-based): chr12:132,659,473, T>C on the plus strand (A>G on the coding strand, the complement: POLE is on the minus strand). VCF-style: chr12-132659473-T-C. GRCh37 (hg19) VCF-style: chr12-133236059-T-C.
Other names: c.3097A>G (NM_006231.2); short protein forms I1033V.
Identifiers: ClinVar variation 3625900 (VCV003625900.3).
Genomic context (GRCh38, chr12:132,659,473, plus strand): 5'-ACGTAGACTTCTGCTCCCCGTAATCTTCCAGCTTCCGAGACATGGAACGGTTCTCAGAGA[T>C]GAGCTCGAATAGCTCAGAGTCAGGCATGTTGGCTGCCTAGAGAAAGACAATGGGTAAAAC-3'
Protein context (NP_006222.2, residues 1023-1043): NMPDSELFEL[Ile1033Val]SENRSMSRKL

ClinVar aggregate classification (germline): Uncertain significance. Review status: criteria provided, multiple submitters, no conflicts (2 of 4 stars). 2 submissions from 2 submitters: Uncertain significance (2). Last evaluated 2026-07-22.

Conditions:
Hereditary cancer-predisposing syndrome. Also called: Hereditary neoplastic syndrome; Neoplastic Syndromes, Hereditary; Tumor predisposition; Hereditary Cancer Syndrome. Identifiers: Orphanet 140162, MedGen C0027672, MeSH D009386, MONDO:0015356.

Submissions (2):

Ambry Genetics
Classification: Uncertain significance for Hereditary cancer-predisposing syndrome. Last evaluated: 2026-07-22. Review status: criteria provided, single submitter. Criteria: Ambry Variant Classification Scheme 2023. Collection method: clinical testing. Allele origin: germline.
Comment: The p.I1033V variant (also known as c.3097A>G), located in coding exon 26 of the POLE gene, results from an A to G substitution at nucleotide position 3097. The isoleucine at codon 1033 is replaced by valine, an amino acid with highly similar properties. This amino acid position is conserved. In addition, this alteration is predicted to be tolerated by in silico analysis. Based on the available evidence, the clinical significance of this variant remains unclear.

Labcorp Genetics (formerly Invitae), Labcorp
Classification: Uncertain significance. Last evaluated: 2024-06-18. Review status: criteria provided, single submitter. Criteria: Invitae Variant Classification Sherloc (09022015). Collection method: clinical testing. Allele origin: germline.
Comment: This sequence change replaces isoleucine, which is neutral and non-polar, with valine, which is neutral and non-polar, at codon 1033 of the POLE protein (p.Ile1033Val). This variant is not present in population databases (gnomAD no frequency). This variant has not been reported in the literature in individuals affected with POLE-related conditions. Advanced modeling of protein sequence and biophysical properties (such as structural, functional, and spatial information, amino acid conservation, physicochemical variation, residue mobility, and thermodynamic stability) performed at Invitae indicates that this missense variant is expected to disrupt POLE protein function with a positive predictive value of 80%. In summary, the available evidence is currently insufficient to determine the role of this variant in disease. Therefore, it has been classified as a Variant of Uncertain Significance.